The following is an entry in ClinVar:

ClinVar aggregate classification (germline): Uncertain significance. Review status: criteria provided, multiple submitters, no conflicts (2 of 4 stars). 2 submissions from 2 submitters: Uncertain significance (2). Last evaluated 2025-01-13.

Conditions:
Inborn genetic diseases. Identifiers: MedGen C0950123, MeSH D030342.

Allele frequency attached by ClinVar (database versions not stated): TOPMed below 0.00001.
gnomAD v4.1: 4 of 1,613,492 alleles (0.00025%); highest among the groups gnomAD compares: East Asian, 0.0022%; no homozygotes.

Submissions (2):

Ambry Genetics
Classification: Uncertain significance for Inborn genetic diseases. Last evaluated: 2025-01-13. Review status: criteria provided, single submitter. Criteria: Ambry Variant Classification Scheme 2023. Collection method: clinical testing. Allele origin: germline.
Comment: The p.R829H variant (also known as c.2486G>A), located in coding exon 21 of the KDM1A gene, results from a G to A substitution at nucleotide position 2486. The arginine at codon 829 is replaced by histidine, an amino acid with highly similar properties. This amino acid position is conserved. In addition, this alteration is predicted to be deleterious by in silico analysis. Based on the available evidence, the clinical significance of this variant remains unclear.

GeneDx
Classification: Uncertain significance. Last evaluated: 2022-01-08. Review status: criteria provided, single submitter. Criteria: GeneDx Variant Classification Process June 2021. Collection method: clinical testing. Allele origin: germline. Affected: yes.
Comment: Not observed at significant frequency in large population cohorts (gnomAD); In silico analysis supports that this missense variant has a deleterious effect on protein structure/function; Has not been previously published as pathogenic or benign to our knowledge

NM_001009999.3(KDM1A):c.2486G>A (p.Arg829His)

Gene: KDM1A (lysine demethylase 1A; plus strand). Cytogenetic location: 1p36.12.
Variant type: single nucleotide variant.
Coding change: c.2486G>A on transcript NM_001009999.3 (MANE Select); coding-DNA position 2486, G replaced by A.
Protein change: p.Arg829His; replaces arginine 829 with histidine.
Molecular consequence: missense variant.
Genome position (GRCh38, 1-based): chr1:23,083,219, G>A. VCF-style: chr1-23083219-G-A. GRCh37 (hg19) VCF-style: chr1-23409712-G-A.
Other names: c.2432G>A, p.Arg811His (NM_001363654.2); c.2414G>A, p.Arg805His (NM_015013.4); short protein forms R805H, R811H, R829H.
Identifiers: ClinVar variation 1695591 (VCV001695591.3), dbSNP rs769378240, ClinGen allele CA679984.